The following is an entry in ClinVar:

NM_001283009.2(RTEL1):c.3473T>G (p.Val1158Gly)

Genes: RTEL1 (regulator of telomere elongation helicase 1; plus strand), RTEL1-TNFRSF6B (RTEL1-TNFRSF6B readthrough (NMD candidate); plus strand). Cytogenetic location: 20q13.33.
Variant type: single nucleotide variant.
Coding change: c.3473T>G on transcript NM_001283009.2 (MANE Select); coding-DNA position 3473, T replaced by G.
Protein change: p.Val1158Gly; replaces valine 1158 with glycine.
Molecular consequence: missense variant. On other transcripts: non-coding transcript variant (1).
Genome position (GRCh38, 1-based): chr20:63,695,195, T>G. VCF-style: chr20-63695195-T-G. GRCh37 (hg19) VCF-style: chr20-62326548-T-G.
Other names: c.2804T>G, p.Val935Gly (NM_001283010.1); c.3473T>G, p.Val1158Gly (NM_016434.4); c.3545T>G, p.Val1182Gly (NM_032957.5); short protein forms V1158G, V1182G, V935G.
Identifiers: ClinVar variation 3948227 (VCV003948227.1).

ClinVar aggregate classification (germline): Uncertain significance (1 of 4 stars; one submission).

Conditions:
Inborn genetic diseases. Identifiers: MedGen C0950123, MeSH D030342.

Submission:

Ambry Genetics
Classification: Uncertain significance for Inborn genetic diseases. Last evaluated: 2025-03-19. Review status: criteria provided, single submitter. Criteria: Ambry Variant Classification Scheme 2023. Collection method: clinical testing. Allele origin: germline.
Comment: The p.V1158G variant (also known as c.3473T>G), located in coding exon 32 of the RTEL1 gene, results from a T to G substitution at nucleotide position 3473. The valine at codon 1158 is replaced by glycine, an amino acid with dissimilar properties. This amino acid position is conserved. In addition, this alteration is predicted to be tolerated by in silico analysis. Based on the available evidence, the clinical significance of this variant remains unclear.